The following is an entry in ClinVar:

ClinVar aggregate classification (germline): Conflicting classifications of pathogenicity. Review status: criteria provided, conflicting classifications (1 of 4 stars). 2 submissions from 2 submitters: Uncertain significance (1); Likely benign (1). Last evaluated 2023-12-18.

Conditions:
Malignant hyperthermia, susceptibility to, 1 (MHS1). Also called: Malignant hyperthermia suceptibility 1; Anesthesia related hyperthermia; Malignant hyperpyrexia; Fulminating hyperpyrexia; Pharmacogenic myopathy; RYR1-Related Malignant Hyperthermia Susceptibility. Identifiers: Orphanet 423, MedGen C2930980, MONDO:0007783, OMIM 145600.
RYR1-related disorder. Also called: RYR1-related condition; RYR1-related disorders. Identifiers: MedGen CN239331.

Submissions (2):

All of Us Research Program, National Institutes of Health
Classification: Uncertain significance for Malignant hyperthermia, susceptibility to, 1. Last evaluated: 2023-12-18. Review status: criteria provided, single submitter. Criteria: ACMG Guidelines, 2015. Collection method: clinical testing. Allele origin: germline. Inheritance: Autosomal dominant inheritance. Observed: 1 variant allele, 1 heterozygote.
Comment: This variant causes the deletion of two nucleotides in intron 79 of the RYR1 gene. To our knowledge, functional studies have not been reported for this variant. This variant has not been reported in individuals affected with RYR1-related disorders in the literature. This variant has not been identified in the general population by the Genome Aggregation Database (gnomAD). The available evidence is insufficient to determine the role of this variant in disease conclusively. Therefore, this variant is classified as a Variant of Uncertain Significance.

This study involves interpretation of variants in research participants for the purpose of population health screening. Participant phenotype was not available at the time of variant classification. Additional details can be found in publication PMID: 35346344, PMCID: PMC8962531

Labcorp Genetics (formerly Invitae), Labcorp
Classification: Likely benign for RYR1-related disorder. Last evaluated: 2023-09-23. Review status: criteria provided, single submitter. Criteria: Invitae Variant Classification Sherloc (09022015). Collection method: clinical testing. Allele origin: germline.

NM_000540.3(RYR1):c.11360-11_11360-10del

Gene: RYR1 (ryanodine receptor 1; plus strand). Cytogenetic location: 19q13.2.
Variant type: Deletion.
Coding change: c.11360-11_11360-10del on transcript NM_000540.3 (MANE Select); 11 bases into the intron before coding-DNA position 11360 through 10 bases into the intron before coding-DNA position 11360, 2 bases deleted (AC; older notation c.11360-11_11360-10delAC).
Molecular consequence: intron variant.
Genome position (GRCh38, 1-based): chr19:38,535,130-38,535,131, AC deleted; deleting any 2 consecutive bases within chr19:38,535,129-38,535,131 gives the same sequence; the c. name uses the placement nearest the transcript's 3' end. VCF-style (leftmost placement, unchanged base first): chr19-38535128-CCA-C. GRCh37 (hg19) VCF-style: chr19-39025768-CCA-C.
Other names: c.11345-11_11345-10del (NM_001042723.2).
Identifiers: ClinVar variation 1944970 (VCV001944970.6), dbSNP rs1971910520, ClinGen allele CA2335070642.